The following is an entry in ClinVar:

ClinVar aggregate classification (germline): Benign/Likely benign. Review status: criteria provided, multiple submitters, no conflicts (2 of 4 stars). 2 submissions from 2 submitters: Benign (1); Likely benign (1). Last evaluated 2026-02-02.

Allele frequency attached by ClinVar (database versions not stated): 1000 Genomes Project 30x 0.00172; ESP Exome Variant Server 0.00210; TOPMed 0.00236; 1000 Genomes Project 0.00240; gnomAD 0.00539 and 0.00564; ExAC 0.00559; gnomAD exomes 0.00582.
gnomAD v4.1: 7,621 of 1,613,840 alleles (0.47%); highest among the groups gnomAD compares: Non-Finnish European, 0.39%; 72 homozygotes.

Submissions (2):

Labcorp Genetics (formerly Invitae), Labcorp
Classification: Benign. Last evaluated: 2026-02-02. Review status: criteria provided, single submitter. Criteria: Invitae Variant Classification Sherloc (09022015). Collection method: clinical testing. Allele origin: germline.

CeGaT Center for Human Genetics Tuebingen
Classification: Likely benign. Last evaluated: 2024-10-01. Review status: criteria provided, single submitter. Criteria: CeGaT Center For Human Genetics Tuebingen Variant Classification Criteria Version 2. Collection method: clinical testing. Allele origin: germline. Affected: yes. Observed: 3 variant alleles.
Comment: PCLO: BP4, BS2

NM_033026.6(PCLO):c.2473G>A (p.Ala825Thr)

Gene: PCLO (piccolo presynaptic cytomatrix protein; minus strand). Cytogenetic location: 7q21.11.
Variant type: single nucleotide variant.
Coding change: c.2473G>A on transcript NM_033026.6 (MANE Select); coding-DNA position 2473, G replaced by A.
Protein change: p.Ala825Thr; replaces alanine 825 with threonine.
Molecular consequence: missense variant.
Genome position (GRCh38, 1-based): chr7:83,135,077, C>T on the plus strand (G>A on the coding strand, the complement: PCLO is on the minus strand). VCF-style: chr7-83135077-C-T. GRCh37 (hg19) VCF-style: chr7-82764393-C-T.
Other names: c.2473G>A, p.Ala825Thr (NM_014510.3); short protein forms A825T.
Identifiers: ClinVar variation 720131 (VCV000720131.32), dbSNP rs61730164, ClinGen allele CA4321255.